The following is an entry in ClinVar:

NM_019109.5(ALG1):c.70A>G (p.Lys24Glu)

Genes: ALG1 (ALG1 chitobiosyldiphosphodolichol beta-mannosyltransferase; plus strand), LOC130058383 (ATAC-STARR-seq lymphoblastoid active region 10348; plus strand). Cytogenetic location: 16p13.3.
Variant type: single nucleotide variant.
Coding change: c.70A>G on transcript NM_019109.5 (MANE Select); coding-DNA position 70, A replaced by G.
Protein change: p.Lys24Glu; replaces lysine 24 with glutamic acid.
Molecular consequence: missense variant.
Genome position (GRCh38, 1-based): chr16:5,071,919, A>G. VCF-style: chr16-5071919-A-G. GRCh37 (hg19) VCF-style: chr16-5121920-A-G.
Other names: short protein forms K24E.
Identifiers: ClinVar variation 1470527 (VCV001470527.7), dbSNP rs1386626500, ClinGen allele CA394678506.
Genomic context (GRCh38, chr16:5,071,919, plus strand): 5'-TCATGCTTGGTCCTGCTGGCGCTGTGTCTGCTGCTGCCGCTGCTGCTGCTGGGAGGATGG[A>G]AGCGCTGGCGCCGGGGGCGGGCGGCCCGGCATGTAGTAGCGGTGGTGCTGGGCGACGTGG-3'
Protein context (NP_061982.3, residues 14-34): LLPLLLLGGW[Lys24Glu]RWRRGRAARH

ClinVar aggregate classification (germline): Uncertain significance. Review status: criteria provided, multiple submitters, no conflicts (2 of 4 stars). 2 submissions from 2 submitters: Uncertain significance (2). Last evaluated 2024-05-27.

Conditions:
ALG1-congenital disorder of glycosylation. Also called: CONGENITAL DISORDER OF GLYCOSYLATION, TYPE Ik; CDG Ik; ALG1-CDG. Identifiers: Orphanet 79327, MedGen C2931005, MONDO:0012052, OMIM 608540.

Allele frequency attached by ClinVar (database versions not stated): gnomAD exomes below 0.00001; gnomAD 0.00001.
gnomAD v4.1: 2 of 1,595,562 alleles (0.00013%); highest among the groups gnomAD compares: Admixed American, 0.0035%; no homozygotes.

Submissions (2):

Fulgent Genetics
Classification: Uncertain significance for ALG1-congenital disorder of glycosylation. Last evaluated: 2024-05-27. Review status: criteria provided, single submitter. Criteria: ACMG Guidelines, 2015. Collection method: clinical testing. Allele origin: germline.

Labcorp Genetics (formerly Invitae), Labcorp
Classification: Uncertain significance for ALG1-congenital disorder of glycosylation. Last evaluated: 2023-10-03. Review status: criteria provided, single submitter. Criteria: Invitae Variant Classification Sherloc (09022015). Collection method: clinical testing. Allele origin: germline.
Comment: This sequence change replaces lysine, which is basic and polar, with glutamic acid, which is acidic and polar, at codon 24 of the ALG1 protein (p.Lys24Glu). This variant is present in population databases (no rsID available, gnomAD 0.006%). This variant has not been reported in the literature in individuals affected with ALG1-related conditions. ClinVar contains an entry for this variant (Variation ID: 1470527). Advanced modeling of protein sequence and biophysical properties (such as structural, functional, and spatial information, amino acid conservation, physicochemical variation, residue mobility, and thermodynamic stability) has been performed at Invitae for this missense variant, however the output from this modeling did not meet the statistical confidence thresholds required to predict the impact of this variant on ALG1 protein function. In summary, the available evidence is currently insufficient to determine the role of this variant in disease. Therefore, it has been classified as a Variant of Uncertain Significance.